The following is an entry in ClinVar:

NM_003640.5(ELP1):c.2995G>A (p.Glu999Lys)

Gene: ELP1 (elongator acetyltransferase complex subunit 1; minus strand). Cytogenetic location: 9q31.3.
Variant type: single nucleotide variant.
Coding change: c.2995G>A on transcript NM_003640.5 (MANE Select); coding-DNA position 2995, G replaced by A.
Protein change: p.Glu999Lys; replaces glutamic acid 999 with lysine.
Molecular consequence: missense variant.
Genome position (GRCh38, 1-based): chr9:108,891,368, C>T on the plus strand (G>A on the coding strand, the complement: ELP1 is on the minus strand). VCF-style: chr9-108891368-C-T. GRCh37 (hg19) VCF-style: chr9-111653648-C-T.
Other names: c.2653G>A, p.Glu885Lys (NM_001318360.2); c.1948G>A, p.Glu650Lys (NM_001330749.2); short protein forms E650K, E885K, E999K.
Identifiers: ClinVar variation 1799781 (VCV001799781.2), dbSNP rs1355083059, ClinGen allele CA374417265.

ClinVar aggregate classification (germline): Uncertain significance (1 of 4 stars; one submission).

gnomAD v4.1: 13 of 1,613,950 alleles (0.00081%); highest among the groups gnomAD compares: Non-Finnish European, 0.001%; no homozygotes.

Submission:

Ambry Genetics
Classification: Uncertain significance. Last evaluated: 2021-12-16. Review status: criteria provided, single submitter. Criteria: Ambry Variant Classification Scheme 2023. Collection method: clinical testing. Allele origin: germline.
Comment: The p.E999K variant (also known as c.2995G>A), located in coding exon 27 of the IKBKAP gene, results from a G to A substitution at nucleotide position 2995. The glutamic acid at codon 999 is replaced by lysine, an amino acid with similar properties. This amino acid position is conserved. In addition, this alteration is predicted to be tolerated by in silico analysis. Since supporting evidence is limited at this time, the clinical significance of this alteration remains unclear.